The following is an entry in ClinVar:

NM_001330078.2(NRXN1):c.908G>A (p.Ser303Asn)

Gene: NRXN1 (neurexin 1; minus strand). Cytogenetic location: 2p16.3.
Variant type: single nucleotide variant.
Coding change: c.908G>A on transcript NM_001330078.2 (MANE Select); coding-DNA position 908, G replaced by A.
Protein change: p.Ser303Asn; replaces serine 303 with asparagine.
Molecular consequence: missense variant.
Genome position (GRCh38, 1-based): chr2:50,623,540, C>T on the plus strand (G>A on the coding strand, the complement: NRXN1 is on the minus strand). VCF-style: chr2-50623540-C-T. GRCh37 (hg19) VCF-style: chr2-50850678-C-T.
Other names: c.1007G>A, p.Ser336Asn (NM_001135659.3); c.908G>A, p.Ser303Asn (NM_001330077.2, NM_001330082.2, NM_001330085.2 and 3 more transcripts); c.848G>A, p.Ser283Asn (NM_001330083.2, NM_001330084.2, NM_001330087.2 and 1 more transcripts); c.878G>A, p.Ser293Asn (NM_001330088.2); c.905G>A, p.Ser302Asn (NM_001330093.2); c.896G>A, p.Ser299Asn (NM_001330094.2); short protein forms S293N, S302N, S283N, S299N, S303N, S336N.
Identifiers: ClinVar variation 2007095 (VCV002007095.4), dbSNP rs2466871400, ClinGen allele CA346822560.

ClinVar aggregate classification (germline): Uncertain significance (1 of 4 stars; one submission).

Conditions:
Pitt-Hopkins-like syndrome 2 (PTHSL2). Identifiers: Orphanet 221150, Orphanet 600663, MedGen C3280479, MONDO:0013690, OMIM 614325.

Submission:

Labcorp Genetics (formerly Invitae), Labcorp
Classification: Uncertain significance for Pitt-Hopkins-like syndrome 2. Last evaluated: 2022-08-12. Review status: criteria provided, single submitter. Criteria: Invitae Variant Classification Sherloc (09022015). Collection method: clinical testing. Allele origin: germline.
Comment: Algorithms developed to predict the effect of missense changes on protein structure and function are either unavailable or do not agree on the potential impact of this missense change (SIFT: "Deleterious"; PolyPhen-2: "Probably Damaging"; Align-GVGD: "Class C0"). This variant has not been reported in the literature in individuals affected with NRXN1-related conditions. This variant is not present in population databases (gnomAD no frequency). This sequence change replaces serine, which is neutral and polar, with asparagine, which is neutral and polar, at codon 336 of the NRXN1 protein (p.Ser336Asn). In summary, the available evidence is currently insufficient to determine the role of this variant in disease. Therefore, it has been classified as a Variant of Uncertain Significance.